The following is an entry in ClinVar:

ClinVar aggregate classification (germline): Uncertain significance (1 of 4 stars; one submission).

Conditions:
Kabuki syndrome. Also called: Kabuki make-up syndrome; NIIKAWA-KUROKI SYNDROME. Identifiers: Orphanet 2322, MedGen C0796004, MONDO:0016512.

gnomAD v4.1: 15 of 1,519,696 alleles (0.00099%); highest among the groups gnomAD compares: Non-Finnish European, 0.0013%; no homozygotes.

Submission:

Labcorp Genetics (formerly Invitae), Labcorp
Classification: Uncertain significance for Kabuki syndrome. Last evaluated: 2026-01-12. Review status: criteria provided, single submitter. Criteria: Invitae Variant Classification Sherloc (09022015). Collection method: clinical testing. Allele origin: germline.
Comment: This sequence change falls in intron 27 of the KMT2D gene. It does not directly change the encoded amino acid sequence of the KMT2D protein. It affects a nucleotide within the consensus splice site. This variant is not present in population databases (gnomAD no frequency). This variant has not been reported in the literature in individuals affected with KMT2D-related conditions. ClinVar contains an entry for this variant (Variation ID: 1060947). Variants that disrupt the consensus splice site are a relatively common cause of aberrant splicing (PMID: 17576681, 9536098). Algorithms developed to predict the effect of sequence changes on RNA splicing suggest that this variant is not likely to affect RNA splicing. In summary, the available evidence is currently insufficient to determine the role of this variant in disease. Therefore, it has been classified as a Variant of Uncertain Significance.

Literature cited by the submitters: PubMed 17576681; PubMed 9536098.

NM_003482.4(KMT2D):c.5868-3C>T

Gene: KMT2D (lysine methyltransferase 2D; minus strand). Cytogenetic location: 12q13.12.
Variant type: single nucleotide variant.
Coding change: c.5868-3C>T on transcript NM_003482.4 (MANE Select); 3 bases into the intron before coding-DNA position 5868, C replaced by T.
Molecular consequence: intron variant.
Genome position (GRCh38, 1-based): chr12:49,042,333, G>A on the plus strand (C>T on the coding strand, the complement: KMT2D is on the minus strand). VCF-style: chr12-49042333-G-A. GRCh37 (hg19) VCF-style: chr12-49436116-G-A.
Identifiers: ClinVar variation 1060947 (VCV001060947.7), dbSNP rs765386411, ClinGen allele CA6547409.
Genomic context (GRCh38, chr12:49,042,333, plus strand): 5'-GCCCGTCCAGGGGCTGTCGGGCTCACCGGGTTCCGGGCTAAAGAAGCCCCCGCGCTCCCT[G>A]GGGCGCAGGGGCAGAGAGTCACAGGGCGCAGGGATGCCAAGTCCCACCCCAGACAAACTG-3'